The following is an entry in ClinVar:

ClinVar aggregate classification (germline): Uncertain significance (1 of 4 stars; one submission).

Submission:

Ambry Genetics
Classification: Uncertain significance. Last evaluated: 2021-10-13. Review status: criteria provided, single submitter. Criteria: Ambry Variant Classification Scheme 2023. Collection method: clinical testing. Allele origin: germline.
Comment: The p.G2701E variant (also known as c.8102G>A), located in coding exon 59 of the PRKDC gene, results from a G to A substitution at nucleotide position 8102. The glycine at codon 2701 is replaced by glutamic acid, an amino acid with similar properties. This amino acid position is conserved. Since supporting evidence is limited at this time, the clinical significance of this alteration remains unclear.

NM_006904.7(PRKDC):c.8102G>A (p.Gly2701Glu)

Gene: PRKDC (protein kinase, DNA-activated, catalytic subunit; minus strand). Cytogenetic location: 8q11.21.
Variant type: single nucleotide variant.
Coding change: c.8102G>A on transcript NM_006904.7 (MANE Select); coding-DNA position 8102, G replaced by A.
Protein change: p.Gly2701Glu; replaces glycine 2701 with glutamic acid.
Molecular consequence: missense variant.
Genome position (GRCh38, 1-based): chr8:47,834,246, C>T on the plus strand (G>A on the coding strand, the complement: PRKDC is on the minus strand). VCF-style: chr8-47834246-C-T. GRCh37 (hg19) VCF-style: chr8-48746807-C-T.
Other names: c.8102G>A, p.Gly2701Glu (NM_001081640.2); short protein forms G2701E.
Identifiers: ClinVar variation 1762010 (VCV001762010.2), dbSNP rs2551867059, ClinGen allele CA371149314.